The following is an entry in ClinVar:

NM_016239.4(MYO15A):c.5929_5930inv (p.Cys1977His)

Gene: MYO15A (myosin XVA; plus strand). Cytogenetic location: 17p11.2.
Variant type: Inversion.
Coding change: c.5929_5930inv on transcript NM_016239.4 (MANE Select).
Protein change: p.Cys1977His; replaces cysteine 1977 with histidine.
Molecular consequence: missense variant.
Genome position: GRCh38 VCF-style: chr17-18143584-TG-CA. GRCh37 (hg19) VCF-style: chr17-18046898-TG-CA.
Other names: short protein forms C1977H.
Identifiers: ClinVar variation 1301261 (VCV001301261.2), ClinGen allele CA2573054353.
Genomic context (GRCh38, chr17:18,143,584, plus strand): 5'-CTCTGCCTGCCACTCCCCAACCTGACATCTTCTCTTCTGAAGCTGAGGGCAGAGTGGAGG[TG>CA]CCAGGTGGAGGGGGCGCTGCTGTGGGAGCAGGAGGTGGGTGTGGGTCTGGGTGGCAGCAG-3'
Protein context (NP_057323.3, residues 1967-1987): RYLKLRAEWR[Cys1977His]QVEGALLWEQ

ClinVar aggregate classification (germline): Uncertain significance (1 of 4 stars; one submission).

Submission:

GeneDx
Classification: Uncertain significance. Last evaluated: 2021-08-23. Review status: criteria provided, single submitter. Criteria: GeneDx Variant Classification Process June 2021. Collection method: clinical testing. Allele origin: germline. Affected: yes.
Comment: In silico analysis supports that this variant does not alter protein structure/function; Has not been previously published as pathogenic or benign to our knowledge